The following is an entry in ClinVar:

ClinVar aggregate classification (germline): Uncertain significance (1 of 4 stars; one submission).

Conditions:
Duchenne muscular dystrophy (DMD). Also called: MUSCULAR DYSTROPHY, PSEUDOHYPERTROPHIC PROGRESSIVE, DUCHENNE TYPE; Duchenne Muscular Dystrophy (DMD). Identifiers: Orphanet 98896, MedGen C0013264, MONDO:0010679, OMIM 310200.

Submission:

Labcorp Genetics (formerly Invitae), Labcorp
Classification: Uncertain significance for Duchenne muscular dystrophy. Last evaluated: 2025-04-26. Review status: criteria provided, single submitter. Criteria: Invitae Variant Classification Sherloc (09022015). Collection method: clinical testing. Allele origin: germline.
Comment: This sequence change falls in intron 21 of the DMD gene. It does not directly change the encoded amino acid sequence of the DMD protein. It affects a nucleotide within the consensus splice site. This variant is not present in population databases (gnomAD no frequency). This variant has not been reported in the literature in individuals affected with DMD-related conditions. ClinVar contains an entry for this variant (Variation ID: 1056636). Variants that disrupt the consensus splice site are a relatively common cause of aberrant splicing (PMID: 17576681, 9536098). Algorithms developed to predict the effect of sequence changes on RNA splicing suggest that this variant may disrupt the consensus splice site. This variant disrupts the c.2803+5G nucleotide in the DMD gene. Other variant(s) that disrupt this nucleotide have been determined to be pathogenic (PMID: 28116794, 34312044). This suggests that this nucleotide is clinically significant, and that variants that disrupt this position are likely to be disease-causing. In summary, the available evidence is currently insufficient to determine the role of this variant in disease. Therefore, it has been classified as a Variant of Uncertain Significance.

Literature cited by the submitters: PubMed 17576681; PubMed 9536098; PubMed 28116794; PubMed 34312044.

NM_004006.3(DMD):c.2803+5G>T

Gene: DMD (dystrophin; minus strand). Cytogenetic location: Xp21.1.
Variant type: single nucleotide variant.
Coding change: c.2803+5G>T on transcript NM_004006.3 (MANE Select); 5 bases into the intron after coding-DNA position 2803, G replaced by T.
Molecular consequence: intron variant.
Genome position (GRCh38, 1-based): chrX:32,484,914, C>A on the plus strand (G>T on the coding strand, the complement: DMD is on the minus strand). VCF-style: chrX-32484914-C-A. GRCh37 (hg19) VCF-style: chrX-32503031-C-A.
Other names: c.2779+5G>T (NM_000109.4); c.2791+5G>T (NM_004009.3); c.2434+5G>T (NM_004010.3).
Identifiers: ClinVar variation 1056636 (VCV001056636.9), dbSNP rs1603634603, ClinGen allele CA2499226650.